The following is an entry in ClinVar:

NM_005751.5(AKAP9):c.5407A>G (p.Met1803Val)

Gene: AKAP9 (A-kinase anchoring protein 9; plus strand). Cytogenetic location: 7q21.2.
Variant type: single nucleotide variant.
Coding change: c.5407A>G on transcript NM_005751.5 (MANE Select); coding-DNA position 5407, A replaced by G.
Protein change: p.Met1803Val; replaces methionine 1803 with valine.
Molecular consequence: missense variant.
Genome position (GRCh38, 1-based): chr7:92,052,764, A>G. VCF-style: chr7-92052764-A-G. GRCh37 (hg19) VCF-style: chr7-91682078-A-G.
Other names: c.5407A>G, p.Met1803Val (NM_147185.3); short protein forms M1803V.
Identifiers: ClinVar variation 3684669 (VCV003684669.2).
Genomic context (GRCh38, chr7:92,052,764, plus strand): 5'-CTTTAAAACACTGTTATTCTAGTTACAGATGAATCCATTCCCTCTTATTCTGGAAGTGAT[A>G]TGCCAAGAAATGACATTAACATGTGGTCAAAAGTAACTGAGGAAGGAACAGAGCTGTCAC-3'
Protein context (NP_005742.4, residues 1793-1813): ESIPSYSGSD[Met1803Val]PRNDINMWSK

ClinVar aggregate classification (germline): Uncertain significance (1 of 4 stars; one submission).

Conditions:
Long QT syndrome (LQTS). Identifiers: MedGen C0023976, MeSH D008133, MONDO:0002442. Disease mechanism: loss of function. Inheritance: Various modes of inheritance.

Submission:

Labcorp Genetics (formerly Invitae), Labcorp
Classification: Uncertain significance for Long QT syndrome. Last evaluated: 2024-10-27. Review status: criteria provided, single submitter. Criteria: Invitae Variant Classification Sherloc (09022015). Collection method: clinical testing. Allele origin: germline.
Comment: This sequence change replaces methionine, which is neutral and non-polar, with valine, which is neutral and non-polar, at codon 1803 of the AKAP9 protein (p.Met1803Val). This variant is not present in population databases (gnomAD no frequency). This variant has not been reported in the literature in individuals affected with AKAP9-related conditions. An algorithm developed to predict the effect of missense changes on protein structure and function outputs the following: PolyPhen-2: "Benign". The valine amino acid residue is found in multiple mammalian species, which suggests that this missense change does not adversely affect protein function. In summary, the available evidence is currently insufficient to determine the role of this variant in disease. Therefore, it has been classified as a Variant of Uncertain Significance.